The following is an entry in ClinVar:

ClinVar aggregate classification (germline): Uncertain significance (1 of 4 stars; one submission).

Conditions:
Hereditary spastic paraplegia 11. Also called: Spastic paraplegia, mental retardation and thin corpus callosum; Nakamura Osame syndrome; Autosomal recessive hereditary spastic paraplegia, mental impairment, and thin corpus callosum; SPASTIC PARAPLEGIA, AUTOSOMAL RECESSIVE, COMPLICATED, WITH THIN CORPUS CALLOSUM; SPASTIC PARAPLEGIA, AUTOSOMAL RECESSIVE, WITH MENTAL IMPAIRMENT AND THIN CORPUS CALLOSUM; Spastic Paraplegia 11. Identifiers: Orphanet 2822, MedGen C1858479, MONDO:0011445, OMIM 604360.

gnomAD v4.1: 1 of 1,613,804 alleles (0.000062%); highest among the groups gnomAD compares: Non-Finnish European, 0.000085%; no homozygotes.

Submission:

Labcorp Genetics (formerly Invitae), Labcorp
Classification: Uncertain significance for Hereditary spastic paraplegia 11. Last evaluated: 2022-01-12. Review status: criteria provided, single submitter. Criteria: Invitae Variant Classification Sherloc (09022015). Collection method: clinical testing. Allele origin: germline.
Comment: This sequence change replaces glutamine, which is neutral and polar, with histidine, which is basic and polar, at codon 1685 of the SPG11 protein (p.Gln1685His). This variant is not present in population databases (gnomAD no frequency). This variant has not been reported in the literature in individuals affected with SPG11-related conditions. Algorithms developed to predict the effect of missense changes on protein structure and function output the following: SIFT: "Tolerated"; PolyPhen-2: "Probably Damaging"; Align-GVGD: "Class C0". The histidine amino acid residue is found in multiple mammalian species, which suggests that this missense change does not adversely affect protein function. In summary, the available evidence is currently insufficient to determine the role of this variant in disease. Therefore, it has been classified as a Variant of Uncertain Significance.

NM_025137.4(SPG11):c.5055A>T (p.Gln1685His)

Gene: SPG11 (SPG11 vesicle trafficking associated, spatacsin; minus strand). Cytogenetic location: 15q21.1.
Variant type: single nucleotide variant.
Coding change: c.5055A>T on transcript NM_025137.4 (MANE Select); coding-DNA position 5055, A replaced by T.
Protein change: p.Gln1685His; replaces glutamine 1685 with histidine.
Molecular consequence: missense variant.
Genome position (GRCh38, 1-based): chr15:44,585,702, T>A on the plus strand (A>T on the coding strand, the complement: SPG11 is on the minus strand). VCF-style: chr15-44585702-T-A. GRCh37 (hg19) VCF-style: chr15-44877900-T-A.
Other names: c.5055A>T, p.Gln1685His (NM_001160227.2, NM_001411132.1); short protein forms Q1685H.
Identifiers: ClinVar variation 1914560 (VCV001914560.2), dbSNP rs758497624, ClinGen allele CA392223407.